The following is an entry in ClinVar:

NM_000138.5(FBN1):c.7985del (p.Gly2662fs)

Gene: FBN1 (fibrillin 1; minus strand). Cytogenetic location: 15q21.1.
Variant type: Deletion.
Coding change: c.7985del on transcript NM_000138.5 (MANE Select); coding-DNA position 7985, one base deleted (G; older notation c.7985delG).
Protein change: p.Gly2662fs; shifts the reading frame from glycine 2662.
Molecular consequence: frameshift variant.
Genome position (GRCh38, 1-based): chr15:48,415,602, C deleted on the plus strand (G on the coding strand, the reverse complement: FBN1 is on the minus strand); the first of 2 consecutive C bases (chr15:48,415,602-48,415,603); deleting either gives the same sequence. VCF-style (leftmost placement, unchanged base first): chr15-48415601-GC-G. GRCh37 (hg19) VCF-style: chr15-48707798-GC-G.
Other names: c.7985delG (NM_000138.4); c.7985del, p.Gly2662fs (NM_001406716.1); short protein forms G2662fs.
Identifiers: ClinVar variation 3756947 (VCV003756947.3).
Genomic context (GRCh38, chr15:48,415,601, plus strand): 5'-GCCTATGCGGAAGTAACCAGGTGGACAGCCACACAGGTAACCGCCCTCGGTATTGGAACA[GC>G]CATAGCTGCAGGGGGCCTGCGCAGAGCCACATTCATTGATGTCTTGGCATCCTCCACTGA-3'

ClinVar aggregate classification (germline): Pathogenic. Review status: criteria provided, multiple submitters, no conflicts (2 of 4 stars). 2 submissions from 2 submitters: Pathogenic (2). Last evaluated 2025-06-06.

Conditions:
Marfan syndrome (MFS). Also called: MARFAN SYNDROME, TYPE I; Marfan syndrome type 1; Marfan's syndrome; Marfan syndrome, classic; FBN1-Related Marfan Syndrome. Identifiers: Orphanet 284963, Orphanet 558, MedGen C0024796, MONDO:0007947, OMIM 154700.
Familial thoracic aortic aneurysm and aortic dissection (TAAD). Also called: Thoracic aortic aneurysms and dissections. Identifiers: Orphanet 91387, MedGen C4707243, MONDO:0019625.

Submissions (2):

Ambry Genetics
Classification: Pathogenic for Familial thoracic aortic aneurysm and aortic dissection. Last evaluated: 2025-06-06. Review status: criteria provided, single submitter. Criteria: Ambry Variant Classification Scheme 2023. Collection method: clinical testing. Allele origin: germline.
Comment: The c.7985delG pathogenic mutation, located in coding exon 63 of the FBN1 gene, results from a deletion of one nucleotide at nucleotide position 7985, causing a translational frameshift with a predicted alternate stop codon (p.G2662Afs*20). This variant was reported in individual(s) with features consistent with Marfan syndrome (Ambry internal data). This variant is considered to be rare based on population cohorts in the Genome Aggregation Database (gnomAD). This alteration is expected to result in loss of function by premature protein truncation or nonsense-mediated mRNA decay. As such, this alteration is interpreted as a disease-causing mutation.

Labcorp Genetics (formerly Invitae), Labcorp
Classification: Pathogenic for Marfan syndrome; Familial thoracic aortic aneurysm and aortic dissection. Last evaluated: 2025-02-17. Review status: criteria provided, single submitter. Criteria: Invitae Variant Classification Sherloc (09022015). Collection method: clinical testing. Allele origin: germline.
Comment: This sequence change creates a premature translational stop signal (p.Gly2662Alafs*20) in the FBN1 gene. It is expected to result in an absent or disrupted protein product. Loss-of-function variants in FBN1 are known to be pathogenic (PMID: 17657824, 19293843). This variant is not present in population databases (gnomAD no frequency). This variant has not been reported in the literature in individuals affected with FBN1-related conditions. For these reasons, this variant has been classified as Pathogenic.

Literature cited by the submitters: PubMed 17657824 (cited by Labcorp Genetics (formerly Invitae), Labcorp); PubMed 19293843 (cited by Labcorp Genetics (formerly Invitae), Labcorp).